The following is an entry in ClinVar:

ClinVar aggregate classification (germline): Uncertain significance. Review status: criteria provided, multiple submitters, no conflicts (2 of 4 stars). 2 submissions from 2 submitters: Uncertain significance (2). Last evaluated 2023-11-06.

Conditions:
Bloom syndrome (BLM). Also called: Bloom-Torre-Machacek syndrome. Identifiers: Orphanet 125, MedGen C0005859, MONDO:0008876, OMIM 210900.
Hereditary cancer-predisposing syndrome. Also called: Neoplastic Syndromes, Hereditary; Tumor predisposition; Hereditary neoplastic syndrome; Hereditary Cancer Syndrome. Identifiers: Orphanet 140162, MedGen C0027672, MeSH D009386, MONDO:0015356.

Allele frequency attached by ClinVar (database versions not stated): TOPMed below 0.00001; gnomAD 0.00001.
gnomAD v4.1: 1 of 1,613,846 alleles (0.000062%); highest among the groups gnomAD compares: Non-Finnish European, 0.000085%; no homozygotes.

Submissions (2):

Labcorp Genetics (formerly Invitae), Labcorp
Classification: Uncertain significance for Bloom syndrome. Last evaluated: 2023-11-06. Review status: criteria provided, single submitter. Criteria: Invitae Variant Classification Sherloc (09022015). Collection method: clinical testing. Allele origin: germline.
Comment: This sequence change replaces serine, which is neutral and polar, with glycine, which is neutral and non-polar, at codon 336 of the BLM protein (p.Ser336Gly). This variant is not present in population databases (gnomAD no frequency). This variant has not been reported in the literature in individuals affected with BLM-related conditions. ClinVar contains an entry for this variant (Variation ID: 581069). Algorithms developed to predict the effect of missense changes on protein structure and function output the following: SIFT: "Not Available"; PolyPhen-2: "Benign"; Align-GVGD: "Not Available". The glycine amino acid residue is found in multiple mammalian species, which suggests that this missense change does not adversely affect protein function. In summary, the available evidence is currently insufficient to determine the role of this variant in disease. Therefore, it has been classified as a Variant of Uncertain Significance.

Ambry Genetics
Classification: Uncertain significance for Hereditary cancer-predisposing syndrome. Last evaluated: 2023-05-10. Review status: criteria provided, single submitter. Criteria: Ambry Variant Classification Scheme 2023. Collection method: clinical testing. Allele origin: germline.
Comment: The p.S336G variant (also known as c.1006A>G), located in coding exon 4 of the BLM gene, results from an A to G substitution at nucleotide position 1006. The serine at codon 336 is replaced by glycine, an amino acid with similar properties. This amino acid position is not well conserved in available vertebrate species. In addition, this alteration is predicted to be tolerated by in silico analysis. Since supporting evidence is limited at this time, the clinical significance of this alteration remains unclear.

NM_000057.4(BLM):c.1006A>G (p.Ser336Gly)

Gene: BLM (BLM RecQ like helicase; plus strand). Cytogenetic location: 15q26.1.
Variant type: single nucleotide variant.
Coding change: c.1006A>G on transcript NM_000057.4 (MANE Select); coding-DNA position 1006, A replaced by G.
Protein change: p.Ser336Gly; replaces serine 336 with glycine.
Molecular consequence: missense variant. On other transcripts: 5 prime UTR variant (1).
Genome position (GRCh38, 1-based): chr15:90,754,857, A>G. VCF-style: chr15-90754857-A-G. GRCh37 (hg19) VCF-style: chr15-91298087-A-G.
Other names: c.1006A>G, p.Ser336Gly (NM_001287246.2, NM_001287247.2); c.-286A>G (NM_001287248.2); c.1006A>G (NM_000057.2); short protein forms S336G.
Identifiers: ClinVar variation 581069 (VCV000581069.8), dbSNP rs1567037959, ClinGen allele CA393842081.